The following is an entry in ClinVar:

ClinVar aggregate classification (germline): Uncertain significance. Review status: criteria provided, multiple submitters, no conflicts (2 of 4 stars). 2 submissions from 2 submitters: Uncertain significance (2). Last evaluated 2025-12-06.

Conditions:
DICER1-related tumor predisposition. Also called: DICER1-related pleuropulmonary blastoma cancer predisposition syndrome; DICER1 syndrome. Identifiers: Orphanet 284343, MedGen C3839822, MONDO:0100216.
Hereditary cancer-predisposing syndrome. Also called: Neoplastic Syndromes, Hereditary; Tumor predisposition; Hereditary Cancer Syndrome; Hereditary neoplastic syndrome. Identifiers: Orphanet 140162, MedGen C0027672, MeSH D009386, MONDO:0015356.

Allele frequency attached by ClinVar (database versions not stated): gnomAD exomes below 0.00001 and 0.00001; ExAC 0.00001; TOPMed 0.00001; gnomAD 0.00003.
gnomAD v4.1: 6 of 1,614,070 alleles (0.00037%); highest among the groups gnomAD compares: Admixed American, 0.0033%; no homozygotes.

Submissions (2):

Labcorp Genetics (formerly Invitae), Labcorp
Classification: Uncertain significance for DICER1-related tumor predisposition. Last evaluated: 2025-12-06. Review status: criteria provided, single submitter. Criteria: Invitae Variant Classification Sherloc (09022015). Collection method: clinical testing. Allele origin: germline.
Comment: This sequence change replaces histidine, which is basic and polar, with arginine, which is basic and polar, at codon 482 of the DICER1 protein (p.His482Arg). This variant is present in population databases (rs749240414, gnomAD 0.003%). This variant has not been reported in the literature in individuals affected with DICER1-related conditions. ClinVar contains an entry for this variant (Variation ID: 543637). Invitae Evidence Modeling of protein sequence and biophysical properties (such as structural, functional, and spatial information, amino acid conservation, physicochemical variation, residue mobility, and thermodynamic stability) indicates that this missense variant is not expected to disrupt DICER1 protein function with a negative predictive value of 95%. In summary, the available evidence is currently insufficient to determine the role of this variant in disease. Therefore, it has been classified as a Variant of Uncertain Significance.

Ambry Genetics
Classification: Uncertain significance for Hereditary cancer-predisposing syndrome. Last evaluated: 2025-09-14. Review status: criteria provided, single submitter. Criteria: Ambry Variant Classification Scheme 2023. Collection method: clinical testing. Allele origin: germline.
Comment: The p.H482R variant (also known as c.1445A>G), located in coding exon 8 of the DICER1 gene, results from an A to G substitution at nucleotide position 1445. The histidine at codon 482 is replaced by arginine, an amino acid with highly similar properties. This amino acid position is highly conserved in available vertebrate species. In addition, this alteration is predicted to be deleterious by in silico analysis. Since supporting evidence is limited at this time, the clinical significance of this alteration remains unclear.

NM_177438.3(DICER1):c.1445A>G (p.His482Arg)

Gene: DICER1 (dicer 1, ribonuclease III; minus strand). Cytogenetic location: 14q32.13.
Variant type: single nucleotide variant.
Coding change: c.1445A>G on transcript NM_177438.3 (MANE Select); coding-DNA position 1445, A replaced by G.
Protein change: p.His482Arg; replaces histidine 482 with arginine.
Molecular consequence: missense variant.
Genome position (GRCh38, 1-based): chr14:95,117,686, T>C on the plus strand (A>G on the coding strand, the complement: DICER1 is on the minus strand). VCF-style: chr14-95117686-T-C. GRCh37 (hg19) VCF-style: chr14-95584023-T-C.
Other names: c.1445A>G, p.His482Arg (NM_001195573.1, NM_001271282.3, NM_001291628.2 and 1 more transcripts); short protein forms H482R.
Identifiers: ClinVar variation 543637 (VCV000543637.16), dbSNP rs749240414, ClinGen allele CA7331482.
Genomic context (GRCh38, chr14:95,117,686, plus strand): 5'-TCCTGTTTTCTGAATTCTGCTTCCATCTGTTTGTTGCGAGGCTGATTCTTCCCAATGCCA[T>C]GTCCAGTTATGAAATTGCTACTGATATAAGCCAGCTCTGGATCTTGTTTGCCAGCTTCCT-3'
Protein context (NP_803187.1, residues 472-492): AYISSNFITG[His482Arg]GIGKNQPRNK